The following is an entry in ClinVar:

NM_021913.5(AXL):c.2007dup (p.His670fs)

Gene: AXL (AXL receptor tyrosine kinase; plus strand). Cytogenetic location: 19q13.2.
Variant type: Duplication.
Coding change: c.2007dup on transcript NM_021913.5 (MANE Select); coding-DNA position 2007, one base duplicated (A; older notation c.2007dupA).
Protein change: p.His670fs; shifts the reading frame from histidine 670.
Molecular consequence: frameshift variant.
Genome position (GRCh38, 1-based): chr19:41,253,679, A duplicated. VCF-style (leftmost placement, unchanged base first): chr19-41253678-T-TA. GRCh37 (hg19) VCF-style: chr19-41759583-T-TA.
Other names: c.1203dup, p.His402fs (NM_001278599.2); c.1980dup, p.His661fs (NM_001699.6); short protein forms H670fs, H661fs, H402fs.
Identifiers: ClinVar variation 3657116 (VCV003657116.2).

ClinVar aggregate classification (germline): Uncertain significance (1 of 4 stars; one submission).

Submission:

Labcorp Genetics (formerly Invitae), Labcorp
Classification: Uncertain significance. Last evaluated: 2024-06-21. Review status: criteria provided, single submitter. Criteria: Invitae Variant Classification Sherloc (09022015). Collection method: clinical testing. Allele origin: germline.
Comment: This sequence change creates a premature translational stop signal (p.His670Thrfs*13) in the AXL gene. It is expected to result in an absent or disrupted protein product. However, the current clinical and genetic evidence is not sufficient to establish whether loss-of-function variants in AXL cause disease. This variant is present in population databases (no rsID available, gnomAD 0.006%). This variant has not been reported in the literature in individuals affected with AXL-related conditions. In summary, the available evidence is currently insufficient to determine the role of this variant in disease. Therefore, it has been classified as a Variant of Uncertain Significance.